The following is an entry in ClinVar:

ClinVar aggregate classification (germline): Uncertain significance (1 of 4 stars; one submission).

Conditions:
Nemaline myopathy 2 (NEM2). Also called: Nemaline myopathy 2, autosomal recessive. Identifiers: MedGen C1850569, MONDO:0009725, OMIM 256030.

Submission:

Labcorp Genetics (formerly Invitae), Labcorp
Classification: Uncertain significance for Nemaline myopathy 2. Last evaluated: 2024-04-10. Review status: criteria provided, single submitter. Criteria: Invitae Variant Classification Sherloc (09022015). Collection method: clinical testing. Allele origin: germline.
Comment: This sequence change replaces glycine, which is neutral and non-polar, with valine, which is neutral and non-polar, at codon 5981 of the NEB protein (p.Gly5981Val). This variant is not present in population databases (gnomAD no frequency). This variant has not been reported in the literature in individuals affected with NEB-related conditions. ClinVar contains an entry for this variant (Variation ID: 2144663). Experimental studies and prediction algorithms are not available or were not evaluated, and the functional significance of this variant is currently unknown. In summary, the available evidence is currently insufficient to determine the role of this variant in disease. Therefore, it has been classified as a Variant of Uncertain Significance.

NM_001164508.2(NEB):c.17942G>T (p.Gly5981Val)

Gene: NEB (nebulin; minus strand). Cytogenetic location: 2q23.3.
Variant type: single nucleotide variant.
Coding change: c.17942G>T on transcript NM_001164508.2 (MANE Select); coding-DNA position 17942, G replaced by T.
Protein change: p.Gly5981Val; replaces glycine 5981 with valine.
Molecular consequence: missense variant.
Genome position (GRCh38, 1-based): chr2:151,567,382, C>A on the plus strand (G>T on the coding strand, the complement: NEB is on the minus strand). VCF-style: chr2-151567382-C-A. GRCh37 (hg19) VCF-style: chr2-152423896-C-A.
Other names: c.17942G>T, p.Gly5981Val (NM_001164507.2, NM_001271208.2); c.12839G>T, p.Gly4280Val (NM_004543.5); short protein forms G4280V, G5981V.
Identifiers: ClinVar variation 2144663 (VCV002144663.4), dbSNP rs2096451386, ClinGen allele CA348803798.